The following is an entry in ClinVar:

ClinVar aggregate classification (germline): Uncertain significance (1 of 4 stars; one submission).

Conditions:
Progressive myoclonic epilepsy type 5. Identifiers: Orphanet 402082, MedGen C5190799.

Submission:

Labcorp Genetics (formerly Invitae), Labcorp
Classification: Uncertain significance for Progressive myoclonic epilepsy type 5. Last evaluated: 2023-11-06. Review status: criteria provided, single submitter. Criteria: Invitae Variant Classification Sherloc (09022015). Collection method: clinical testing. Allele origin: germline.
Comment: This sequence change replaces methionine, which is neutral and non-polar, with arginine, which is basic and polar, at codon 17 of the PRICKLE2 protein (p.Met17Arg). This variant is not present in population databases (gnomAD no frequency). This variant has not been reported in the literature in individuals affected with PRICKLE2-related conditions. Advanced modeling of protein sequence and biophysical properties (such as structural, functional, and spatial information, amino acid conservation, physicochemical variation, residue mobility, and thermodynamic stability) performed at Invitae indicates that this missense variant is not expected to disrupt PRICKLE2 protein function with a negative predictive value of 80%. In summary, the available evidence is currently insufficient to determine the role of this variant in disease. Therefore, it has been classified as a Variant of Uncertain Significance.

NM_198859.4(PRICKLE2):c.50T>G (p.Met17Arg)

Genes: PRICKLE2 (prickle planar cell polarity protein 2; minus strand), PRICKLE2-AS3 (PRICKLE2 antisense RNA 3; plus strand). Cytogenetic location: 3p14.1.
Variant type: single nucleotide variant.
Coding change: c.50T>G on transcript NM_198859.4 (MANE Select); coding-DNA position 50, T replaced by G.
Protein change: p.Met17Arg; replaces methionine 17 with arginine.
Molecular consequence: missense variant. On other transcripts: non-coding transcript variant (1).
Genome position (GRCh38, 1-based): chr3:64,198,878, A>C on the plus strand (T>G on the coding strand, the complement: PRICKLE2 is on the minus strand). VCF-style: chr3-64198878-A-C. GRCh37 (hg19) VCF-style: chr3-64184554-A-C.
Other names: c.50T>G, p.Met17Arg (NM_001370528.1); short protein forms M17R.
Identifiers: ClinVar variation 2877316 (VCV002877316.3), dbSNP rs2471230378, ClinGen allele CA353541101.